The following is an entry in ClinVar:

NM_153240.5(NPHP3):c.3225A>G (p.Arg1075=)

Genes: NPHP3 (nephrocystin 3; minus strand), NPHP3-ACAD11 (NPHP3-ACAD11 readthrough (NMD candidate); minus strand). Cytogenetic location: 3q22.1.
Variant type: single nucleotide variant.
Coding change: c.3225A>G on transcript NM_153240.5 (MANE Select); coding-DNA position 3225, A replaced by G.
Protein change: p.Arg1075=; no amino-acid change (arginine 1075 retained).
Molecular consequence: synonymous variant. On other transcripts: non-coding transcript variant (1).
Genome position (GRCh38, 1-based): chr3:132,686,364, T>C on the plus strand (A>G on the coding strand, the complement: NPHP3 is on the minus strand). VCF-style: chr3-132686364-T-C. GRCh37 (hg19) VCF-style: chr3-132405208-T-C.
Identifiers: ClinVar variation 4998988 (VCV004998988.1).

ClinVar aggregate classification (germline): Likely benign (1 of 4 stars; one submission).

Conditions:
NPHP3-related disorder. Also called: NPHP3-related condition; NPHP3-related disorders. Identifiers: MedGen CN379163.

Submission:

PreventionGenetics, part of Exact Sciences
Classification: Likely benign for NPHP3-related condition. Last evaluated: 2025-06-03. Review status: criteria provided, single submitter. Criteria: ACMG Guidelines, 2015. Collection method: clinical testing. Allele origin: germline.
Comment: This variant is classified as likely benign based on ACMG/AMP sequence variant interpretation guidelines (Richards et al. 2015 PMID: 25741868, with internal and published modifications).